The following is an entry in ClinVar:

ClinVar aggregate classification (germline): Uncertain significance. Review status: criteria provided, multiple submitters, no conflicts (2 of 4 stars). 12 submissions from 11 submitters: Uncertain significance (9). 3 of the submissions do not count toward it. Last evaluated 2025-01-07.

Conditions:
Aortic aneurysm, familial thoracic 7 (AAT7). Also called: AORTIC DISSECTION, FAMILIAL, WITH OR WITHOUT AORTIC ANEURYSM. Identifiers: MedGen C3151077, MONDO:0013418, OMIM 613780.
Megacystis-microcolon-intestinal hypoperistalsis syndrome 1. Identifiers: MedGen C5542316, MONDO:0100354, OMIM 249210.
Familial thoracic aortic aneurysm and aortic dissection (TAAD). Also called: Thoracic aortic aneurysms and dissections. Identifiers: Orphanet 91387, MedGen C4707243, MONDO:0019625.

Allele frequency attached by ClinVar (database versions not stated): TOPMed 0.00008.
gnomAD v4.1: 214 of 1,601,308 alleles (0.013%); highest among the groups gnomAD compares: Non-Finnish European, 0.018%; no homozygotes.

Submissions (13):

Labcorp Genetics (formerly Invitae), Labcorp
Classification: Uncertain significance for Aortic aneurysm, familial thoracic 7. Last evaluated: 2025-01-07. Review status: criteria provided, single submitter. Criteria: Invitae Variant Classification Sherloc (09022015). Collection method: clinical testing. Allele origin: germline.
Comment: This sequence change replaces valine, which is neutral and non-polar, with leucine, which is neutral and non-polar, at codon 1213 of the MYLK protein (p.Val1213Leu). This variant is present in population databases (rs368390254, gnomAD 0.009%). This variant has not been reported in the literature in individuals affected with MYLK-related conditions. ClinVar contains an entry for this variant (Variation ID: 568511). Invitae Evidence Modeling of protein sequence and biophysical properties (such as structural, functional, and spatial information, amino acid conservation, physicochemical variation, residue mobility, and thermodynamic stability) indicates that this missense variant is not expected to disrupt MYLK protein function with a negative predictive value of 80%. In summary, the available evidence is currently insufficient to determine the role of this variant in disease. Therefore, it has been classified as a Variant of Uncertain Significance.

Women's Health and Genetics/Laboratory Corporation of America, LabCorp
Classification: Uncertain significance. Last evaluated: 2024-09-11. Review status: criteria provided, single submitter. Criteria: LabCorp Variant Classification Summary - May 2015. Collection method: clinical testing. Allele origin: germline.
Comment: Variant summary: MYLK c.3637G>C (p.Val1213Leu) results in a conservative amino acid change in the encoded protein sequence. Four of four in-silico tools predict a benign effect of the variant on protein function. The variant allele was found at a frequency of 4.4e-05 in 229728 control chromosomes. This frequency is not significantly higher than estimated for a pathogenic variant in MYLK causing Megacystis-Microcolon Hypoperistalsis Syndrome 1, allowing no conclusion about variant significance. To our knowledge, no occurrence of c.3637G>C in individuals affected with Megacystis-Microcolon Hypoperistalsis Syndrome 1 and no experimental evidence demonstrating its impact on protein function have been reported. ClinVar contains an entry for this variant (Variation ID: 568511). Based on the evidence outlined above, the variant was classified as uncertain significance.

Ambry Genetics
Classification: Uncertain significance for Familial thoracic aortic aneurysm and aortic dissection. Last evaluated: 2023-11-16. Review status: criteria provided, single submitter. Criteria: Ambry Variant Classification Scheme 2023. Collection method: clinical testing. Allele origin: germline.
Comment: The p.V1213L variant (also known as c.3637G>C), located in coding exon 17 of the MYLK gene, results from a G to C substitution at nucleotide position 3637. The valine at codon 1213 is replaced by leucine, an amino acid with highly similar properties. In addition, a different alteration at the same position, p.V1213M, has been detected in an individual with familial thoracic aortic aneurysm and dissection (TAAD) (Wang L et al. Am. J. Hum. Genet., 2010 Nov;87:701-7). This amino acid position is highly conserved in available vertebrate species. In addition, this alteration is predicted to be tolerated by in silico analysis. Since supporting evidence is limited at this time, the clinical significance of this alteration remains unclear.

GeneDx
Classification: Uncertain significance. Last evaluated: 2023-06-28. Review status: criteria provided, single submitter. Criteria: GeneDx Variant Classification Process June 2021. Collection method: clinical testing. Allele origin: germline. Affected: yes.
Comment: Has not been previously published as pathogenic or benign to our knowledge; In silico analysis supports that this missense variant does not alter protein structure/function

Blueprint Genetics
Classification: Uncertain significance. Last evaluated: 2022-06-22. Review status: criteria provided, single submitter. Criteria: ACMG Guidelines, 2015. Collection method: clinical testing. Allele origin: germline.

Phosphorus, Inc.
Classification: Uncertain significance. Last evaluated: 2022-01-13. Review status: criteria provided, single submitter. Criteria: ACMG Guidelines, 2015. Collection method: clinical testing. Allele origin: germline. Inheritance: Autosomal dominant inheritance.
Comment: This missense variant results in an amino acid substitution of valine with leucine at codon 1213 of the MYLK gene. The variant has an entry in ClinVar (568511) NM_053025.4 (MYLK): c.3637G>C (p.Val1213Leu) and has occurred in GnomAD with a total MAF of 0.0040% and highest MAF of 0.0089% in the European population. This position is not conserved. In silico functional algorithms agreed, with PolyPhen calling it benign, and SIFT tolerated, but no functional studies were performed to confirm this prediction. The variant has not occurred in literature associated with disease. Considering that this is a rare variant, whose impact on the protein and association with disease are unknown, it has been classified as a Variant of Uncertain Significance.

Fulgent Genetics
Classification: Uncertain significance for Megacystis-microcolon-intestinal hypoperistalsis syndrome 1; Aortic aneurysm, familial thoracic 7. Last evaluated: 2021-10-28. Review status: criteria provided, single submitter. Criteria: ACMG Guidelines, 2015. Collection method: clinical testing. Allele origin: unknown.

Center for Genomics, Ann and Robert H. Lurie Children's Hospital of Chicago
Classification: Uncertain significance for Aortic aneurysm, familial thoracic 7. Last evaluated: 2018-09-17. Review status: criteria provided, single submitter. Criteria: ACMG Guidelines, 2015. Collection method: clinical testing. Allele origin: germline.
Comment: MYLK NM_053025.3 exon 20 p.Val1213Leu (c.3637G>C): This variant has not been reported in the literature and is present in 0.01% (11/116464) of European alleles in the Genome Aggregation Database. This variant amino acid Leucine (Leu) is present in 2 species (chinese hamster and golden hamster), and it is not well conserved among evolutionarily distant species; this suggests that this variant may not impact the protein. Additional computational prediction tools do not suggest an impact. Of note, another variant at the same amino acid residue position (p.Val1213Met) has been reported as being possibly associated with aortic dissections in a single individual (Wang et al. PMID: 21055718). In summary, data on this variant is insufficient for disease classification. Therefore, the clinical significance of this variant is uncertain.

Center for Genomics, Ann and Robert H. Lurie Children's Hospital of Chicago
Classification: Uncertain significance for Megacystis-microcolon-intestinal hypoperistalsis syndrome 1; Aortic aneurysm, familial thoracic 7. Review status: criteria provided, single submitter. Criteria: ACMG Guidelines, 2015. Collection method: clinical testing. Allele origin: germline.
Comment: MYLK NM_053025.3 exon 20 p.Val1213Leu (c.3637G>C): This variant has not been reported in the literature and is present in 0.01% (11/116464) of European alleles in the Genome Aggregation Database. This variant is present in ClinVar (Variation ID:568511). This variant amino acid Leucine (Leu) is present in 2 species (chinese hamster and golden hamster), and it is not well conserved among evolutionarily distant species; this suggests that this variant may not impact the protein. Additional computational prediction tools do not suggest an impact. Of note, another variant at the same amino acid residue position (p.Val1213Met) has been reported as being possibly associated with aortic dissections in three individuals (Wang 2010 PMID: 21055718, Weerakkody 2018 PMID:29543232). In summary, data on this variant is insufficient for disease classification. Therefore, the clinical significance of this variant is uncertain.

Clinical Genetics DNA and cytogenetics Diagnostics Lab, Erasmus MC, Erasmus Medical Center
Classification: Likely benign. Review status: no assertion criteria provided. Collection method: clinical testing. Allele origin: germline. Affected: yes. Study: VKGL Data-share Consensus. Not counted in ClinVar's aggregate classification.

Dr. Peter K. Rogan Lab, Western University
No classification provided (evidence only). Condition: Sarcoma. Review status: no classification provided. Collection method: in vitro. Allele origin: not applicable. Functional consequence: retained intron. Not counted in ClinVar's aggregate classification.

Genome Diagnostics Laboratory, Amsterdam University Medical Center
Classification: Likely benign. Review status: no assertion criteria provided. Collection method: clinical testing. Allele origin: germline. Affected: yes. Study: VKGL Data-share Consensus. Not counted in ClinVar's aggregate classification.

Genome Diagnostics Laboratory, University Medical Center Utrecht
Classification: Likely benign. Review status: no assertion criteria provided. Collection method: clinical testing. Allele origin: germline. Affected: yes. Study: VKGL Data-share Consensus. Not counted in ClinVar's aggregate classification.

NM_053025.4(MYLK):c.3637G>C (p.Val1213Leu)

Gene: MYLK (myosin light chain kinase; minus strand). Cytogenetic location: 3q21.1.
Variant type: single nucleotide variant.
Coding change: c.3637G>C on transcript NM_053025.4 (MANE Select); coding-DNA position 3637, G replaced by C.
Protein change: p.Val1213Leu; replaces valine 1213 with leucine.
Molecular consequence: missense variant.
Genome position (GRCh38, 1-based): chr3:123,682,239, C>G on the plus strand (G>C on the coding strand, the complement: MYLK is on the minus strand). VCF-style: chr3-123682239-C-G. GRCh37 (hg19) VCF-style: chr3-123401086-C-G.
Other names: c.3109G>C, p.Val1037Leu (NM_001321309.2); c.3430G>C, p.Val1144Leu (NM_053026.4, NM_053028.4); c.3637G>C, p.Val1213Leu (NM_053027.4); short protein forms V1213L, V1037L, V1144L.
Identifiers: ClinVar variation 568511 (VCV000568511.20), dbSNP rs368390254, ClinGen allele CA069913.